The following is an entry in ClinVar:

ClinVar aggregate classification (germline): Pathogenic (1 of 4 stars; one submission).

Conditions:
Cohen syndrome (COH1). Also called: PEPPER SYNDROME; Cutis verticis gyrata, retinitis pigmentosa, and sensorineural deafness. Identifiers: Orphanet 193, MedGen C0265223, MONDO:0008999, OMIM 216550.

Submission:

Labcorp Genetics (formerly Invitae), Labcorp
Classification: Pathogenic for Cohen syndrome. Last evaluated: 2021-08-02. Review status: criteria provided, single submitter. Criteria: Invitae Variant Classification Sherloc (09022015). Collection method: clinical testing. Allele origin: germline.
Comment: For these reasons, this variant has been classified as Pathogenic. This variant has not been reported in the literature in individuals affected with VPS13B-related conditions. This variant is not present in population databases (ExAC no frequency). This sequence change creates a premature translational stop signal (p.Leu2065Phefs*3) in the VPS13B gene. It is expected to result in an absent or disrupted protein product. Loss-of-function variants in VPS13B are known to be pathogenic (PMID: 15141358, 16648375, 20461111).

Literature cited by the submitters: PubMed 15141358; PubMed 16648375; PubMed 20461111.

NM_152564.5(VPS13B):c.6118del (p.Leu2040fs)

Gene: VPS13B (vacuolar protein sorting 13 homolog B; plus strand). Cytogenetic location: 8q22.2.
Variant type: Deletion.
Coding change: c.6118del on transcript NM_152564.5 (MANE Select); coding-DNA position 6118, one base deleted (C; older notation c.6118delC).
Protein change: p.Leu2040fs; shifts the reading frame from leucine 2040.
Molecular consequence: frameshift variant.
Genome position (GRCh38, 1-based): chr8:99,699,596, C deleted; the last of 2 consecutive C bases (chr8:99,699,595-99,699,596); deleting either gives the same sequence. VCF-style (leftmost placement, unchanged base first): chr8-99699594-AC-A. GRCh37 (hg19) VCF-style: chr8-100711822-AC-A.
Other names: c.6193del, p.Leu2065fs (NM_017890.5); short protein forms L2065fs, L2040fs.
Identifiers: ClinVar variation 1358059 (VCV001358059.6), dbSNP rs2130179621, ClinGen allele CA2573143588.